The following is an entry in ClinVar:

NM_033380.3(COL4A5):c.1587+5G>A

Gene: COL4A5 (collagen type IV alpha 5 chain; plus strand). Cytogenetic location: Xq22.3.
Variant type: single nucleotide variant.
Coding change: c.1587+5G>A on transcript NM_033380.3 (MANE Select); 5 bases into the intron after coding-DNA position 1587, G replaced by A.
Molecular consequence: intron variant.
Genome position (GRCh38, 1-based): chrX:108,597,073, G>A. VCF-style: chrX-108597073-G-A. GRCh37 (hg19) VCF-style: chrX-107840303-G-A.
Other names: c.1587+5G>A (NM_000495.5).
Identifiers: ClinVar variation 1520846 (VCV001520846.9), dbSNP rs2147809251, ClinGen allele CA2573159107.

ClinVar aggregate classification (germline): Uncertain significance (1 of 4 stars; one submission).

Submission:

Labcorp Genetics (formerly Invitae), Labcorp
Classification: Uncertain significance. Last evaluated: 2021-05-20. Review status: criteria provided, single submitter. Criteria: Invitae Variant Classification Sherloc (09022015). Collection method: clinical testing. Allele origin: germline.
Comment: In summary, the available evidence is currently insufficient to determine the role of this variant in disease. Therefore, it has been classified as a Variant of Uncertain Significance. This sequence change falls in intron 23 of the COL4A5 gene. It does not directly change the encoded amino acid sequence of the COL4A5 protein. It affects a nucleotide within the consensus splice site of the intron. This variant is not present in population databases (ExAC no frequency). This variant has been observed in individual(s) with clinical features of Alport syndrome (Invitae). Nucleotide substitutions within the consensus splice site are a relatively common cause of aberrant splicing (PMID: 17576681, 9536098). Algorithms developed to predict the effect of sequence changes on RNA splicing suggest that this variant may disrupt the consensus splice site, but this prediction has not been confirmed by published transcriptional studies.

Literature cited by the submitters: PubMed 17576681; PubMed 9536098.